The following is an entry in ClinVar:

NM_006231.4(POLE):c.6161_6162del (p.Tyr2054fs)

Gene: POLE (DNA polymerase epsilon, catalytic subunit; minus strand). Cytogenetic location: 12q24.33.
Variant type: Deletion.
Coding change: c.6161_6162del on transcript NM_006231.4 (MANE Select); coding-DNA positions 6161 to 6162, 2 bases deleted (AT; older notation c.6161_6162delAT).
Protein change: p.Tyr2054fs; shifts the reading frame from tyrosine 2054.
Molecular consequence: frameshift variant.
Genome position (GRCh38, 1-based): chr12:132,632,483-132,632,484, AT deleted on the plus strand (AT on the coding strand, the reverse complement: POLE is on the minus strand); deleting any 2 consecutive bases within chr12:132,632,483-132,632,485 gives the same sequence; the c. name uses the placement nearest the transcript's 3' end. VCF-style (leftmost placement, unchanged base first): chr12-132632482-CAT-C. GRCh37 (hg19) VCF-style: chr12-133209068-CAT-C.
Other names: short protein forms Y2054fs.
Identifiers: ClinVar variation 3781550 (VCV003781550.1).

ClinVar aggregate classification (germline): Uncertain significance (1 of 4 stars; one submission).

Conditions:
Hereditary cancer-predisposing syndrome. Also called: Neoplastic Syndromes, Hereditary; Hereditary Cancer Syndrome; Tumor predisposition; Hereditary neoplastic syndrome. Identifiers: Orphanet 140162, MedGen C0027672, MeSH D009386, MONDO:0015356.

Submission:

Ambry Genetics
Classification: Uncertain significance for Hereditary cancer-predisposing syndrome. Last evaluated: 2025-01-17. Review status: criteria provided, single submitter. Criteria: Ambry Variant Classification Scheme 2023. Collection method: clinical testing. Allele origin: germline.
Comment: The c.6161_6162delAT variant, located in coding exon 45 of the POLE gene, results from a deletion of two nucleotides at nucleotide positions 6161 to 6162, causing a translational frameshift with a predicted alternate stop codon (p.Y2054Cfs*4). Loss-of-function variants subject to nonsense mediated decay (NMD) in POLE are known to cause POLE deficiency; however, such associations with POLE-related polymerase proofreading-associated polyposis (PPAP) have not been reported. Based on the supporting evidence, this alteration is pathogenic for POLE-related POLE deficiency; however, the association of this alteration with POLE-related polymerase proofreading-associated polyposis (PPAP) is unknown.